The following is an entry in ClinVar:

ClinVar aggregate classification (germline): Benign. Review status: criteria provided, multiple submitters, no conflicts (2 of 4 stars). 5 submissions from 5 submitters: Benign (5). Last evaluated 2026-07-01.

Conditions:
Glycogen storage disease, type II (IOPD). Also called: CARDIOMEGALIA GLYCOGENICA DIFFUSA; Glycogen storage disease type 2; Acid maltase deficiency disease; Aglucosidase alfa; Deficiency of alpha-glucosidase; Deficiency of lysosomal alpha-glucosidase. Identifiers: Orphanet 365, MedGen C0017921, MONDO:0009290, OMIM 232300.

Allele frequency attached by ClinVar (database versions not stated): 1000 Genomes Project 30x 0.60072; 1000 Genomes Project 0.60244; TOPMed 0.63761; gnomAD 0.65686 and 0.65691.
gnomAD v4.1: 1,109,493 of 1,575,512 alleles (70%); highest among the groups gnomAD compares: Middle Eastern, 80%; 394,715 homozygotes.

Submissions (5):

Genomenon, Inc
Classification: Benign for Glycogen storage disease, type II. Last evaluated: 2026-07-01. Review status: criteria provided, single submitter. Criteria: Genomenon Sequence Variant Interpretation Standards - Updated. Collection method: curation. Allele origin: germline. Affected: no.
Comment: GAA c.547-67C>G is an intronic variant located in intron 2. This variant is present at high allele frequency in population databases. We classify GAA c.547-67C>G as a benign variant.

Labcorp Genetics (formerly Invitae), Labcorp
Classification: Benign for Glycogen storage disease, type II. Last evaluated: 2026-02-02. Review status: criteria provided, single submitter. Criteria: Invitae Variant Classification Sherloc (09022015). Collection method: clinical testing. Allele origin: germline.

Broad Center for Mendelian Genomics, Broad Institute of MIT and Harvard
Classification: Benign for Glycogen storage disease, type II. Last evaluated: 2020-01-22. Review status: criteria provided, single submitter. Criteria: ACMG Guidelines, 2015. Collection method: curation. Allele origin: germline. Inheritance: Autosomal recessive inheritance.
Comment: The c.547-67C>G variant in GAA has been reported in at least five individuals with suspected glycogen storage disease II (PMID: 25681614, 30595407), but has been identified in 76.2% (2644/3740) of European (Finnish) chromosomes, 74% (11379/15370) of European (non-Finnish) chromosomes, and 51.3% (4643/8672) of African chromosomes by the Genome Aggregation Database (gnomAD; dbSNP rs8069491). This variant has been seen in the general population at a frequency high enough to rule out a pathogenic role. Computational prediction tools, including splice predictors, and conservation analyses suggest that this variant may not impact the protein, though this information is not predictive enough to rule out pathogenicity. This variant was reported in the homozygous state in an individual suspected to be affected (PMID: 30595407). In summary, this variant meets criteria to be classified as benign for glycogen storage disease II in an autosomal recessive manner based on its high frequency in the general population. ACMG/AMP Criteria applied: BA1, BP7, BP4 (Richards 2015).

GeneDx
Classification: Benign. Last evaluated: 2015-03-03. Review status: criteria provided, single submitter. Criteria: GeneDx Variant Classification Process June 2021. Collection method: clinical testing. Allele origin: germline. Affected: yes.
Comment: This variant is associated with the following publications: (PMID: 30595407)

Breakthrough Genomics
Classification: Benign. Review status: criteria provided, single submitter. Criteria: ACMG Guidelines, 2015. Collection method: not provided. Allele origin: germline. Inheritance: Autosomal recessive inheritance. Affected: yes.

NM_000152.5(GAA):c.547-67C>G

Gene: GAA (alpha glucosidase; plus strand). Cytogenetic location: 17q25.3.
Variant type: single nucleotide variant.
Coding change: c.547-67C>G on transcript NM_000152.5 (MANE Select); 67 bases into the intron before coding-DNA position 547, C replaced by G.
Molecular consequence: intron variant.
Genome position (GRCh38, 1-based): chr17:80,105,682, C>G. VCF-style: chr17-80105682-C-G. GRCh37 (hg19) VCF-style: chr17-78079481-C-G.
Other names: c.547-67C>G (NM_001079803.3, NM_001079804.3).
Identifiers: ClinVar variation 972815 (VCV000972815.16), dbSNP rs8069491, ClinGen allele CA14478721.